The following is an entry in ClinVar:

ClinVar aggregate classification (germline): Likely pathogenic. Review status: criteria provided, multiple submitters, no conflicts (2 of 4 stars). 2 submissions from 2 submitters: Likely pathogenic (2). Last evaluated 2020-08-04.

Conditions:
Cardiovascular phenotype. Identifiers: MedGen CN230736.
Primary dilated cardiomyopathy (DCM). Also called: Dilated Cardiomyopathy. Identifiers: Orphanet 217604, MedGen C0007193, MeSH D002311, MONDO:0005021, HP:0001644. Inheritance: Various modes of inheritance.

Submissions (2):

Ambry Genetics
Classification: Likely pathogenic for Cardiovascular phenotype. Last evaluated: 2020-08-04. Review status: criteria provided, single submitter. Criteria: Ambry Variant Classification Scheme 2023. Collection method: clinical testing. Allele origin: germline.
Comment: The c.42263_42266dupAGAA variant, located in coding exon 152 of the TTN gene, results from a duplication of AGAA at nucleotide position 42263, causing a translational frameshift with a predicted alternate stop codon (p.N14089Kfs*14). This alteration was reported in one individual with dilated cardiomyopathy (DCM) who also had variants in other cardiac-related genes (Pugh TJ et al. Genet. Med., 2014 Aug;16:601-8). This exon is located in the A-band region of the N2-B isoform of the titin protein and is constitutively expressed in TTN transcripts (percent spliced in or PSI 100%). This alteration is expected to result in loss of function by premature protein truncation or nonsense-mediated mRNA decay. While truncating variants in TTN are present in 1-3% of the general population, truncating variants in the A-band are the most common cause of dilated cardiomyopathy (DCM) (Herman DS et al. N. Engl. J. Med., 2012 Feb;366:619-28; Roberts AM et al. Sci Transl Med, 2015 Jan;7:270ra6). TTN truncating variants encoded in constitutive exons (PSI >90%) have been found to be significantly associated with DCM regardless of their position in titin (Schafer S et al. Nat. Genet., 2017 01;49:46-53). As such, this alteration is classified as likely pathogenic.

Laboratory for Molecular Medicine, Mass General Brigham Personalized Medicine
Classification: Likely pathogenic for Primary dilated cardiomyopathy. Last evaluated: 2012-02-06. Review status: criteria provided, single submitter. Criteria: LMM Criteria. Collection method: clinical testing. Allele origin: germline. Observed: 1 variant allele.
Comment: The Asn20586fs variant (TTN) has not been reported in the literature nor previou sly identified by our laboratory. This variant is predicted to cause a frameshif t, which alters the protein's amino acid sequence beginning at codon 20586 and l eads to a premature stop codon 14 amino acids downstream. This alteration is the n predicted to lead to a truncated or absent protein (loss-of-function). Loss-of -function variants in TTN are common in patients with DCM (Jon Seidman, pers. co mm.). Therefore, the Asn20586fs variant is likely to be pathogenic, though segre gation studies and functional analyses are required to fully establish the patho genicity of this variant.

Literature cited by the submitters: PubMed 24503780 (cited by Ambry Genetics).

NM_001267550.2(TTN):c.69458_69461dup (p.Asn23154fs)

Genes: TTN-AS1 (TTN antisense RNA 1; plus strand), TTN (titin; minus strand). Cytogenetic location: 2q31.2.
Variant type: Duplication.
Coding change: c.69458_69461dup on transcript NM_001267550.2 (MANE Select); coding-DNA positions 69458 to 69461, 4 bases duplicated (AGAA; older notation c.69458_69461dupAGAA).
Protein change: p.Asn23154fs; shifts the reading frame from asparagine 23154.
Molecular consequence: frameshift variant.
Genome position (GRCh38, 1-based): chr2:178,576,783-178,576,786, TTCT duplicated on the plus strand (AGAA on the coding strand, the reverse complement: TTN is on the minus strand); duplicating any 4 consecutive bases within chr2:178,576,783-178,576,787 gives the same sequence; the c. name uses the placement nearest the transcript's 3' end. VCF-style (leftmost placement, unchanged base first): chr2-178576782-G-GTTCT. GRCh37 (hg19) VCF-style: chr2-179441509-G-GTTCT.
Other names: p.Asn20586LysfsX14; c.61754_61757dupAGAA (NM_133378.4); c.64535_64538dup, p.Asn21513fs (NM_001256850.1); c.42263_42266dup, p.Asn14089fs (NM_003319.4); c.61754_61757dup, p.Asn20586fs (NM_133378.4); c.42638_42641dup, p.Asn14214fs (NM_133432.3); c.42839_42842dup, p.Asn14281fs (NM_133437.4); c.42263_42266dupAGAA (NM_003319.4); short protein forms N14281fs, N14214fs, N20586fs, N21513fs, N23154fs, N14089fs.
Identifiers: ClinVar variation 47273 (VCV000047273.7), dbSNP rs397517679, ClinGen allele CA261900.